The following is an entry in ClinVar:

ClinVar aggregate classification (germline): Likely pathogenic. Review status: criteria provided, single submitter (1 of 4 stars). 2 submissions from 2 submitters: Likely pathogenic (1). 1 of the submissions does not count toward it. Last evaluated 2023-12-22.

Conditions:
Autosomal recessive nonsyndromic hearing loss 9. Also called: NEUROSENSORY NONSYNDROMIC RECESSIVE DEAFNESS 9; OTOF-Related Hearing Loss; Deafness, autosomal recessive 9; AUDITORY NEUROPATHY, AUTOSOMAL RECESSIVE, 1, TEMPERATURE-SENSITIVE. Identifiers: Orphanet 90636, MedGen C1832828, MONDO:0010986, OMIM 601071.
Auditory neuropathy. Identifiers: MedGen C1852271, MONDO:0021944.

Submissions (2):

WangQJ Lab, Chinese People's Liberation Army General Hospital
Classification: Likely pathogenic for Auditory neuropathy. Last evaluated: 2023-12-22. Review status: criteria provided, single submitter. Criteria: Submitter's publication. Collection method: research. Allele origin: germline. Affected: yes. Observed: 1 variant allele.

Diagnosis and Treatment Center of Genetic Hearing Loss, Eye & ENT Hospital of Fudan University
Classification: Pathogenic for Autosomal recessive nonsyndromic hearing loss 9. Last evaluated: 2026-02-04. Review status: no assertion criteria provided. Collection method: clinical testing. Allele origin: germline. Inheritance: Autosomal recessive inheritance. Affected: yes. Not counted in ClinVar's aggregate classification.
Comment: The c.4791delC frameshift variant in OTOF leads to a premature stop codon and predicted NMD (PVS1). It is absent from population databases (PM2_Supporting). It was found in trans with a likely pathogenic variant (PM3).

NM_194248.3(OTOF):c.4791del (p.Tyr1598fs)

Gene: OTOF (otoferlin; minus strand). Cytogenetic location: 2p23.3.
Variant type: Deletion.
Coding change: c.4791del on transcript NM_194248.3 (MANE Select); coding-DNA position 4791, one base deleted (C; older notation c.4791delC).
Protein change: p.Tyr1598fs; shifts the reading frame from tyrosine 1598.
Molecular consequence: frameshift variant.
Genome position (GRCh38, 1-based): chr2:26,465,680, G deleted on the plus strand (C on the coding strand, the reverse complement: OTOF is on the minus strand); the first of 2 consecutive G bases (chr2:26,465,680-26,465,681); deleting either gives the same sequence. VCF-style (leftmost placement, unchanged base first): chr2-26465679-AG-A. GRCh37 (hg19) VCF-style: chr2-26688547-AG-A.
Other names: c.4791del, p.Tyr1598fs (NM_001287489.2); c.2490del, p.Tyr831fs (NM_004802.4, NM_194323.3); c.2721del, p.Tyr908fs (NM_194322.3); short protein forms Y1598fs, Y831fs, Y908fs.
Identifiers: ClinVar variation 2683892 (VCV002683892.2), dbSNP rs2465523611, ClinGen allele CA2586968807.